The following is an entry in ClinVar:

ClinVar aggregate classification (germline): Likely pathogenic. Review status: criteria provided, multiple submitters, no conflicts (2 of 4 stars). 2 submissions from 2 submitters: Likely pathogenic (2). Last evaluated 2019-05-21.

Conditions:
GP1BA-related disorders.
Bernard-Soulier syndrome, type A2, autosomal dominant (BSSA2). Also called: Bernard-Soulier syndrome, type A2 (dominant). Identifiers: Orphanet 274, MedGen C3277076, MONDO:0007930, OMIM 153670.

Allele frequency attached by ClinVar (database versions not stated): gnomAD exomes below 0.00001 and 0.00001; ExAC 0.00001.

Submissions (2):

Blueprint Genetics
Classification: Likely pathogenic for GP1BA-related disorders. Last evaluated: 2019-05-21. Review status: criteria provided, single submitter. Criteria: ACMG Guidelines, 2015. Collection method: clinical testing. Allele origin: germline. Affected: yes. Observed: 1 variant allele.

ISTH-SSC Genomics in Thrombosis and Hemostasis, KU Leuven, Center for Molecular and Vascular Biology
Classification: Likely pathogenic for Bernard-Soulier syndrome, type A2, autosomal dominant. Review status: criteria provided, single submitter. Criteria: ACMG Guidelines, 2015. Collection method: clinical testing. Allele origin: germline. Affected: yes. Observed: 2 heterozygotes.
Comment: GoldVariant submitter: Eva Leinoe Genomic medicine, Rigshospitalet, Copenhagen, Denmark

Literature cited by the submitters: PubMed 34355501 (cited by ISTH-SSC Genomics in Thrombosis and Hemostasis, KU Leuven, Center for Molecular and Vascular Biology); PubMed 30908598 (cited by ISTH-SSC Genomics in Thrombosis and Hemostasis, KU Leuven, Center for Molecular and Vascular Biology).

NM_000173.7(GP1BA):c.247C>T (p.Leu83Phe)

Gene: GP1BA (glycoprotein Ib platelet subunit alpha; plus strand). Cytogenetic location: 17p13.2.
Variant type: single nucleotide variant.
Coding change: c.247C>T on transcript NM_000173.7 (MANE Select); coding-DNA position 247, C replaced by T.
Protein change: p.Leu83Phe; replaces leucine 83 with phenylalanine.
Molecular consequence: missense variant.
Genome position (GRCh38, 1-based): chr17:4,932,851, C>T. VCF-style: chr17-4932851-C-T. GRCh37 (hg19) VCF-style: chr17-4836146-C-T.
Other names: short protein forms L83F.
Identifiers: ClinVar variation 1677265 (VCV001677265.2), dbSNP rs767224320, ClinGen allele CA8314728.